The following is an entry in ClinVar:

ClinVar aggregate classification (germline): Uncertain significance (1 of 4 stars; one submission).

Allele frequency attached by ClinVar (database versions not stated): gnomAD exomes below 0.00001; ExAC 0.00001.
gnomAD v4.1: 1 of 1,614,012 alleles (0.000062%); highest among the groups gnomAD compares: Non-Finnish European, 0.000085%; no homozygotes.

Submission:

CeGaT Center for Human Genetics Tuebingen
Classification: Uncertain significance. Last evaluated: 2023-12-01. Review status: criteria provided, single submitter. Criteria: CeGaT Center For Human Genetics Tuebingen Variant Classification Criteria Version 2. Collection method: clinical testing. Allele origin: germline. Affected: yes. Observed: 1 variant allele.
Comment: ASXL2: PM2, BP4

NM_018263.6(ASXL2):c.2698C>T (p.Pro900Ser)

Gene: ASXL2 (ASXL transcriptional regulator 2; minus strand). Cytogenetic location: 2p23.3.
Variant type: single nucleotide variant.
Coding change: c.2698C>T on transcript NM_018263.6 (MANE Select); coding-DNA position 2698, C replaced by T.
Protein change: p.Pro900Ser; replaces proline 900 with serine.
Molecular consequence: missense variant.
Genome position (GRCh38, 1-based): chr2:25,743,639, G>A on the plus strand (C>T on the coding strand, the complement: ASXL2 is on the minus strand). VCF-style: chr2-25743639-G-A. GRCh37 (hg19) VCF-style: chr2-25966508-G-A.
Other names: c.2524C>T, p.Pro842Ser (NM_001369346.1); c.1918C>T, p.Pro640Ser (NM_001369347.1); short protein forms P640S, P842S, P900S.
Identifiers: ClinVar variation 3026836 (VCV003026836.22), dbSNP rs764952565, ClinGen allele CA1557594.
Genomic context (GRCh38, chr2:25,743,639, plus strand): 5'-AAGTGCTCGAGGGTGGAGCTGATCCAGCAGGTGCTGTAGTTGCACTGACCTGGGGTACAG[G>A]AAGCTTTTCTAAAGTGGCTGTGGTCAATAAAGATGTTAAAGGGGAGGGAGTTACAGCCAC-3'
Protein context (NP_060733.4, residues 890-910): LLTTATLEKL[Pro900Ser]VPQVSATTAP